The following is an entry in ClinVar:

NM_017777.4(MKS1):c.900C>A (p.Gly300=)

Gene: MKS1 (MKS transition zone complex subunit 1; minus strand). Cytogenetic location: 17q22.
Variant type: single nucleotide variant.
Coding change: c.900C>A on transcript NM_017777.4 (MANE Select); coding-DNA position 900, C replaced by A.
Protein change: p.Gly300=; no amino-acid change (glycine 300 retained).
Molecular consequence: synonymous variant.
Genome position (GRCh38, 1-based): chr17:58,212,393, G>T on the plus strand (C>A on the coding strand, the complement: MKS1 is on the minus strand). VCF-style: chr17-58212393-G-T. GRCh37 (hg19) VCF-style: chr17-56289754-G-T.
Other names: c.291C>A, p.Gly97= (NM_001321268.2); c.900C>A, p.Gly300= (NM_001321269.2, NM_001330397.2, NM_001411113.1).
Identifiers: ClinVar variation 4998373 (VCV004998373.1).

ClinVar aggregate classification (germline): Likely benign (1 of 4 stars; one submission).

Conditions:
MKS1-related disorder. Also called: MKS1-related disorders; MKS1-related condition. Identifiers: MedGen CN239382.

Submission:

PreventionGenetics, part of Exact Sciences
Classification: Likely benign for MKS1-related condition. Last evaluated: 2025-06-25. Review status: criteria provided, single submitter. Criteria: ACMG Guidelines, 2015. Collection method: clinical testing. Allele origin: germline.
Comment: This variant is classified as likely benign based on ACMG/AMP sequence variant interpretation guidelines (Richards et al. 2015 PMID: 25741868, with internal and published modifications).